The following is an entry in ClinVar:

ClinVar aggregate classification (germline): Uncertain significance (1 of 4 stars; one submission).

Conditions:
Distal hereditary motor neuropathy type 2. Identifiers: Orphanet 139525, MedGen C3711384, MeSH C580044, MONDO:0015352.

Allele frequency attached by ClinVar (database versions not stated): gnomAD exomes below 0.00001.
gnomAD v4.1: 2 of 1,613,924 alleles (0.00012%); highest among the groups gnomAD compares: Non-Finnish European, 0.000085%; no homozygotes.

Submission:

Labcorp Genetics (formerly Invitae), Labcorp
Classification: Uncertain significance for Distal hereditary motor neuropathy type 2. Last evaluated: 2022-08-15. Review status: criteria provided, single submitter. Criteria: Invitae Variant Classification Sherloc (09022015). Collection method: clinical testing. Allele origin: germline.
Comment: In summary, the available evidence is currently insufficient to determine the role of this variant in disease. Therefore, it has been classified as a Variant of Uncertain Significance. Algorithms developed to predict the effect of missense changes on protein structure and function are either unavailable or do not agree on the potential impact of this missense change (SIFT: "Deleterious"; PolyPhen-2: "Probably Damaging"; Align-GVGD: "Class C0"). ClinVar contains an entry for this variant (Variation ID: 1496003). This variant has not been reported in the literature in individuals affected with FBXO38-related conditions. This variant is present in population databases (no rsID available, gnomAD 0.0009%). This sequence change replaces asparagine, which is neutral and polar, with serine, which is neutral and polar, at codon 923 of the FBXO38 protein (p.Asn923Ser).

NM_205836.3(FBXO38):c.2993A>G (p.Asn998Ser)

Gene: FBXO38 (F-box protein 38; plus strand). Cytogenetic location: 5q32.
Variant type: single nucleotide variant.
Coding change: c.2993A>G on transcript NM_205836.3 (MANE Select); coding-DNA position 2993, A replaced by G.
Protein change: p.Asn998Ser; replaces asparagine 998 with serine.
Molecular consequence: missense variant.
Genome position (GRCh38, 1-based): chr5:148,438,467, A>G. VCF-style: chr5-148438467-A-G. GRCh37 (hg19) VCF-style: chr5-147818030-A-G.
Other names: c.2258A>G, p.Asn753Ser (NM_001271723.2); c.2768A>G, p.Asn923Ser (NM_030793.5); short protein forms N998S, N753S, N923S.
Identifiers: ClinVar variation 1496003 (VCV001496003.6), dbSNP rs1293617168, ClinGen allele CA361660573.